The following is an entry in ClinVar:

ClinVar aggregate classification (germline): Likely benign. Review status: criteria provided, multiple submitters, no conflicts (2 of 4 stars). 2 submissions from 2 submitters: Likely benign (2). Last evaluated 2026-04-01.

Conditions:
Cone-rod dystrophy 2 (CORD2). Also called: CONE-ROD RETINAL DYSTROPHY; Cone-rod retinal dystrophy 2. Identifiers: Orphanet 1872, MedGen C3489532, MONDO:0007362, OMIM 120970.
Leber congenital amaurosis 7 (LCA7). Identifiers: Orphanet 65, MedGen C3151192, MONDO:0013449, OMIM 613829.

Allele frequency attached by ClinVar (database versions not stated): TOPMed below 0.00001; gnomAD 0.00001; ExAC 0.00003.
gnomAD v4.1: 18 of 1,614,050 alleles (0.0011%); highest among the groups gnomAD compares: South Asian, 0.0077%; no homozygotes.

Submissions (2):

CeGaT Center for Human Genetics Tuebingen
Classification: Likely benign. Last evaluated: 2026-04-01. Review status: criteria provided, single submitter. Criteria: CeGaT Center For Human Genetics Tuebingen Variant Classification Criteria Version 2. Collection method: clinical testing. Allele origin: germline. Affected: yes. Observed: 1 variant allele.
Comment: CRX: BP4, BP7

Labcorp Genetics (formerly Invitae), Labcorp
Classification: Likely benign for Cone-rod dystrophy 2; Leber congenital amaurosis 7. Last evaluated: 2023-07-03. Review status: criteria provided, single submitter. Criteria: Invitae Variant Classification Sherloc (09022015). Collection method: clinical testing. Allele origin: germline.

NM_000554.6(CRX):c.52C>T (p.Leu18=)

Gene: CRX (cone-rod homeobox; plus strand). Cytogenetic location: 19q13.33.
Variant type: single nucleotide variant.
Coding change: c.52C>T on transcript NM_000554.6 (MANE Select); coding-DNA position 52, C replaced by T.
Protein change: p.Leu18=; no amino-acid change (leucine 18 retained).
Molecular consequence: synonymous variant.
Genome position (GRCh38, 1-based): chr19:47,834,495, C>T. VCF-style: chr19-47834495-C-T. GRCh37 (hg19) VCF-style: chr19-48337752-C-T.
Identifiers: ClinVar variation 2949200 (VCV002949200.5), dbSNP rs747167744, ClinGen allele CA9544377.